The following is an entry in ClinVar:

NM_001849.4(COL6A2):c.1250G>T (p.Arg417Leu)

Gene: COL6A2 (collagen type VI alpha 2 chain; plus strand). Cytogenetic location: 21q22.3.
Variant type: single nucleotide variant.
Coding change: c.1250G>T on transcript NM_001849.4 (MANE Select); coding-DNA position 1250, G replaced by T.
Protein change: p.Arg417Leu; replaces arginine 417 with leucine.
Molecular consequence: missense variant.
Genome position (GRCh38, 1-based): chr21:46,119,100, G>T. VCF-style: chr21-46119100-G-T. GRCh37 (hg19) VCF-style: chr21-47539014-G-T.
Other names: c.1250G>T (NM_001849.3); c.1250G>T, p.Arg417Leu (NM_058174.3, NM_058175.3); short protein forms R417L.
Identifiers: ClinVar variation 1019019 (VCV001019019.10), dbSNP rs371383704, ClinGen allele CA10071781.

ClinVar aggregate classification (germline): Uncertain significance. Review status: criteria provided, multiple submitters, no conflicts (2 of 4 stars). 2 submissions from 2 submitters: Uncertain significance (2). Last evaluated 2022-05-11.

Conditions:
Bethlem myopathy 1A. Also called: Bethlem Muscular Dystrophy; MYOPATHY, BENIGN CONGENITAL, WITH CONTRACTURES; Bethlem myopathy 1. Identifiers: Orphanet 610, MedGen CN029274, MONDO:0024530, OMIM 158810.
Inborn genetic diseases. Identifiers: MedGen C0950123, MeSH D030342.

Allele frequency attached by ClinVar (database versions not stated): TOPMed 0.00005; ESP Exome Variant Server 0.00008.
gnomAD v4.1: 9 of 1,611,832 alleles (0.00056%); highest among the groups gnomAD compares: African/African-American, 0.0067%; no homozygotes.

Submissions (2):

Ambry Genetics
Classification: Uncertain significance for Inborn genetic diseases. Last evaluated: 2022-05-11. Review status: criteria provided, single submitter. Criteria: Ambry Variant Classification Scheme 2023. Collection method: clinical testing. Allele origin: germline.

Labcorp Genetics (formerly Invitae), Labcorp
Classification: Uncertain significance for Bethlem myopathy 1A. Last evaluated: 2020-10-30. Review status: criteria provided, single submitter. Criteria: Invitae Variant Classification Sherloc (09022015). Collection method: clinical testing. Allele origin: germline.
Comment: This sequence change replaces arginine with leucine at codon 417 of the COL6A2 protein (p.Arg417Leu). The arginine residue is weakly conserved and there is a moderate physicochemical difference between arginine and leucine. This variant is present in population databases (rs371383704, ExAC 0.01%). This variant has not been reported in the literature in individuals with COL6A2-related conditions. Advanced modeling of protein sequence and biophysical properties (such as structural, functional, and spatial information, amino acid conservation, physicochemical variation, residue mobility, and thermodynamic stability) performed at Invitae indicates that this missense variant is not expected to disrupt COL6A2 protein function. In summary, the available evidence is currently insufficient to determine the role of this variant in disease. Therefore, it has been classified as a Variant of Uncertain Significance.